The following is an entry in ClinVar:

ClinVar aggregate classification (germline): Pathogenic (1 of 4 stars; one submission).

Conditions:
Alstrom syndrome (ALMS). Identifiers: Orphanet 64, MedGen C0268425, MONDO:0008763, OMIM 203800.

Submission:

Labcorp Genetics (formerly Invitae), Labcorp
Classification: Pathogenic for Alstrom syndrome. Last evaluated: 2025-06-12. Review status: criteria provided, single submitter. Criteria: Invitae Variant Classification Sherloc (09022015). Collection method: clinical testing. Allele origin: germline.
Comment: This sequence change creates a premature translational stop signal (p.Gln2365*) in the ALMS1 gene. It is expected to result in an absent or disrupted protein product. Loss-of-function variants in ALMS1 are known to be pathogenic (PMID: 17594715). This variant is not present in population databases (gnomAD no frequency). This variant has not been reported in the literature in individuals affected with ALMS1-related conditions. ClinVar contains an entry for this variant (Variation ID: 3678096). For these reasons, this variant has been classified as Pathogenic.

Literature cited by the submitters: PubMed 17594715.

NM_001378454.1(ALMS1):c.7090C>T (p.Gln2364Ter)

Gene: ALMS1 (ALMS1 centrosome and basal body associated protein; plus strand). Cytogenetic location: 2p13.1.
Variant type: single nucleotide variant.
Coding change: c.7090C>T on transcript NM_001378454.1 (MANE Select); coding-DNA position 7090, C replaced by T.
Protein change: p.Gln2364Ter; replaces glutamine 2364 with a stop codon.
Molecular consequence: nonsense.
Genome position (GRCh38, 1-based): chr2:73,453,617, C>T. VCF-style: chr2-73453617-C-T. GRCh37 (hg19) VCF-style: chr2-73680744-C-T.
Other names: c.7093C>T, p.Gln2365Ter (NM_015120.4); short protein forms Q2365*, Q2364*.
Identifiers: ClinVar variation 3678096 (VCV003678096.2).